The following is an entry in ClinVar:

NM_000155.4(GALT):c.663C>G (p.Tyr221Ter)

Gene: GALT (galactose-1-phosphate uridylyltransferase; plus strand). Cytogenetic location: 9p13.3.
Variant type: single nucleotide variant.
Coding change: c.663C>G on transcript NM_000155.4 (MANE Select); coding-DNA position 663, C replaced by G.
Protein change: p.Tyr221Ter; replaces tyrosine 221 with a stop codon.
Molecular consequence: nonsense.
Genome position (GRCh38, 1-based): chr9:34,648,432, C>G. VCF-style: chr9-34648432-C-G. GRCh37 (hg19) VCF-style: chr9-34648429-C-G.
Other names: c.336C>G, p.Tyr112Ter (NM_001258332.2); short protein forms Y112*, Y221*.
Identifiers: ClinVar variation 4817638 (VCV004817638.1).

ClinVar aggregate classification (germline): Likely pathogenic (1 of 4 stars; one submission).

Conditions:
Galactosemia. Also called: Galactose intolerance. Identifiers: Orphanet 352, MedGen C0016952, MONDO:0018116, HP:0004919. Disease mechanism: loss of function.

Submission:

Natera, Inc.
Classification: Likely pathogenic for Galactosemia. Last evaluated: 2025-11-27. Review status: criteria provided, single submitter. Criteria: Natera Variant Classification Schema (03/2026). Collection method: clinical testing. Allele origin: germline.
Comment: The c.663C>G variant in GALT is a nonsense variant predicted to introduce a stop codon at amino acid 221. This variant is expected to result in nonsense mediated decay, truncation, or a dysfunctional protein product. This variant is rare in the general population with a frequency below the threshold expected for the associated phenotype(s). Given the available evidence, this variant is classified as Likely Pathogenic.